The following is an entry in ClinVar:

NM_001366145.2(TRPM3):c.3873C>A (p.Asn1291Lys)

Genes: KLF9-DT (KLF9 divergent transcript; plus strand), TRPM3 (transient receptor potential cation channel subfamily M member 3; minus strand). Cytogenetic location: 9q21.12.
Variant type: single nucleotide variant.
Coding change: c.3873C>A on transcript NM_001366145.2 (MANE Select); coding-DNA position 3873, C replaced by A.
Protein change: p.Asn1291Lys; replaces asparagine 1291 with lysine.
Molecular consequence: missense variant.
Genome position (GRCh38, 1-based): chr9:70,537,240, G>T on the plus strand (C>A on the coding strand, the complement: TRPM3 is on the minus strand). VCF-style: chr9-70537240-G-T. GRCh37 (hg19) VCF-style: chr9-73152156-G-T.
Other names: c.3837C>A, p.Asn1279Lys (NM_001007471.4, NM_001366151.2); c.3843C>A, p.Asn1281Lys (NM_001366141.2, NM_001366143.2, NM_001366149.2); c.3879C>A, p.Asn1293Lys (NM_001366142.2); c.3873C>A, p.Asn1291Lys (NM_001366146.2); c.3948C>A, p.Asn1316Lys (NM_001366147.2, NM_001366152.2); c.3918C>A, p.Asn1306Lys (NM_001366148.2); c.3807C>A, p.Asn1269Lys (NM_001366150.2); c.3414C>A, p.Asn1138Lys (NM_001366154.2, NM_024971.7); and 5 more; short protein forms N1116K, N1126K, N1128K, N1138K, N1141K, N1151K, N1269K, N1279K.
Identifiers: ClinVar variation 3364206 (VCV003364206.1).

ClinVar aggregate classification (germline): Uncertain significance (1 of 4 stars; one submission).

gnomAD v4.1: 1 of 1,597,284 alleles (0.000063%); highest among the groups gnomAD compares: Admixed American, 0.0017%; no homozygotes.

Submission:

GeneDx
Classification: Uncertain significance. Last evaluated: 2023-11-14. Review status: criteria provided, single submitter. Criteria: GeneDx Variant Classification Process June 2021. Collection method: clinical testing. Allele origin: germline. Affected: yes.
Comment: In silico analysis supports that this missense variant does not alter protein structure/function; Has not been previously published as pathogenic or benign to our knowledge